The following is an entry in ClinVar:

NM_002115.3(HK3):c.846G>A (p.Ala282=)

Gene: HK3 (hexokinase 3; minus strand). Cytogenetic location: 5q35.2.
Variant type: single nucleotide variant.
Coding change: c.846G>A on transcript NM_002115.3 (MANE Select); coding-DNA position 846, G replaced by A.
Protein change: p.Ala282=; no amino-acid change (alanine 282 retained).
Molecular consequence: synonymous variant.
Genome position (GRCh38, 1-based): chr5:176,889,449, C>T on the plus strand (G>A on the coding strand, the complement: HK3 is on the minus strand). VCF-style: chr5-176889449-C-T. GRCh37 (hg19) VCF-style: chr5-176316450-C-T.
Identifiers: ClinVar variation 3388333 (VCV003388333.14).

ClinVar aggregate classification (germline): Likely benign (1 of 4 stars; one submission).

gnomAD v4.1: 483 of 1,614,184 alleles (0.03%); highest among the groups gnomAD compares: Non-Finnish European, 0.038%; no homozygotes.

Submission:

CeGaT Center for Human Genetics Tuebingen
Classification: Likely benign. Last evaluated: 2024-11-01. Review status: criteria provided, single submitter. Criteria: CeGaT Center For Human Genetics Tuebingen Variant Classification Criteria Version 2. Collection method: clinical testing. Allele origin: germline. Affected: yes. Observed: 1 variant allele.
Comment: HK3: BP4, BP7